The following is an entry in ClinVar:

ClinVar aggregate classification (germline): Uncertain significance (1 of 4 stars; one submission).

Submission:

GeneDx
Classification: Uncertain significance. Last evaluated: 2022-12-12. Review status: criteria provided, single submitter. Criteria: GeneDx Variant Classification Process June 2021. Collection method: clinical testing. Allele origin: germline. Affected: yes.
Comment: Not observed at significant frequency in large population cohorts (gnomAD); In silico analysis supports that this missense variant has a deleterious effect on protein structure/function; Has not been previously published as pathogenic or benign to our knowledge

NM_004380.3(CREBBP):c.2609A>T (p.Gln870Leu)

Gene: CREBBP (CREB binding protein; minus strand). Cytogenetic location: 16p13.3.
Variant type: single nucleotide variant.
Coding change: c.2609A>T on transcript NM_004380.3 (MANE Select); coding-DNA position 2609, A replaced by T.
Protein change: p.Gln870Leu; replaces glutamine 870 with leucine.
Molecular consequence: missense variant.
Genome position (GRCh38, 1-based): chr16:3,770,841, T>A on the plus strand (A>T on the coding strand, the complement: CREBBP is on the minus strand). VCF-style: chr16-3770841-T-A. GRCh37 (hg19) VCF-style: chr16-3820842-T-A.
Other names: c.2495A>T, p.Gln832Leu (NM_001079846.1); short protein forms Q832L, Q870L.
Identifiers: ClinVar variation 2505916 (VCV002505916.1), dbSNP rs2548415783, ClinGen allele CA394551484.